The following is an entry in ClinVar:

NM_015512.5(DNAH1):c.241C>T (p.Pro81Ser)

Gene: DNAH1 (dynein axonemal heavy chain 1; plus strand). Cytogenetic location: 3p21.1.
Variant type: single nucleotide variant.
Coding change: c.241C>T on transcript NM_015512.5 (MANE Select); coding-DNA position 241, C replaced by T.
Protein change: p.Pro81Ser; replaces proline 81 with serine.
Molecular consequence: missense variant.
Genome position (GRCh38, 1-based): chr3:52,322,683, C>T. VCF-style: chr3-52322683-C-T. GRCh37 (hg19) VCF-style: chr3-52356699-C-T.
Other names: short protein forms P81S.
Identifiers: ClinVar variation 653593 (VCV000653593.3), dbSNP rs770488524, ClinGen allele CA2432575.

ClinVar aggregate classification (germline): Uncertain significance. Review status: criteria provided, multiple submitters, no conflicts (2 of 4 stars). 2 submissions from 2 submitters: Uncertain significance (2). Last evaluated 2024-11-02.

Conditions:
Spermatogenic failure 18. Identifiers: MedGen C4539783, MONDO:0054615, OMIM 617576.
Ciliary dyskinesia, primary, 37 (CILD37). Also called: CILIARY DYSKINESIA, PRIMARY, 37, WITH OR WITHOUT SITUS INVERSUS. Identifiers: MedGen C4539798, MONDO:0033204, OMIM 617577.

Allele frequency attached by ClinVar (database versions not stated): gnomAD 0.00001; TOPMed 0.00003; ExAC 0.00002; gnomAD exomes 0.00003.
gnomAD v4.1: 15 of 1,613,758 alleles (0.00093%); highest among the groups gnomAD compares: Admixed American, 0.0083%; no homozygotes.

Submissions (2):

Labcorp Genetics (formerly Invitae), Labcorp
Classification: Uncertain significance for Ciliary dyskinesia, primary, 37; Spermatogenic failure 18. Last evaluated: 2024-11-02. Review status: criteria provided, single submitter. Criteria: Invitae Variant Classification Sherloc (09022015). Collection method: clinical testing. Allele origin: germline.
Comment: This sequence change replaces proline, which is neutral and non-polar, with serine, which is neutral and polar, at codon 81 of the DNAH1 protein (p.Pro81Ser). This variant is present in population databases (rs770488524, gnomAD 0.02%). This variant has not been reported in the literature in individuals affected with DNAH1-related conditions. ClinVar contains an entry for this variant (Variation ID: 653593). An algorithm developed to predict the effect of missense changes on protein structure and function (PolyPhen-2) suggests that this variant¬¨‚Ä†is likely to be tolerated. In summary, the available evidence is currently insufficient to determine the role of this variant in disease. Therefore, it has been classified as a Variant of Uncertain Significance.

AiLife Diagnostics
Classification: Uncertain significance. Last evaluated: 2021-07-02. Review status: criteria provided, single submitter. Criteria: ACMG Guidelines, 2015. Collection method: clinical testing. Allele origin: germline. Affected: yes. Observed: 1 variant allele.